The following is an entry in ClinVar:

NM_001162501.2(TNRC6B):c.2369G>A (p.Ser790Asn)

Gene: TNRC6B (trinucleotide repeat containing adaptor 6B; plus strand). Cytogenetic location: 22q13.1.
Variant type: single nucleotide variant.
Coding change: c.2369G>A on transcript NM_001162501.2 (MANE Select); coding-DNA position 2369, G replaced by A.
Protein change: p.Ser790Asn; replaces serine 790 with asparagine.
Molecular consequence: missense variant. On other transcripts: intron variant (1).
Genome position (GRCh38, 1-based): chr22:40,266,599, G>A. VCF-style: chr22-40266599-G-A. GRCh37 (hg19) VCF-style: chr22-40662603-G-A.
Other names: c.2369G>A, p.Ser790Asn (NM_015088.3); c.566-3523G>A (NM_001024843.2); short protein forms S790N.
Identifiers: ClinVar variation 733536 (VCV000733536.6), dbSNP rs138707838, ClinGen allele CA10246825.
Genomic context (GRCh38, chr22:40,266,599, plus strand): 5'-CTGGGTGGGGTGAAGGAGGGCAGAATGAAATCGGGACTTGGGGTAATGGTGGCAATGCAA[G>A]CCTAGCTTCAAAAGGTGGGTGGGAGGATTGCAAAAGATCCCCAGCATGGAATGAGACGGG-3'
Protein context (NP_001155973.1, residues 780-800): IGTWGNGGNA[Ser790Asn]LASKGGWEDC

ClinVar aggregate classification (germline): Likely benign. Review status: criteria provided, multiple submitters, no conflicts (2 of 4 stars). 3 submissions from 3 submitters: Likely benign (2). 1 of the submissions does not count toward it. Last evaluated 2025-02-23.

Conditions:
Inborn genetic diseases. Identifiers: MedGen C0950123, MeSH D030342.
TNRC6B-related disorder. Also called: TNRC6B-related condition.

Allele frequency attached by ClinVar (database versions not stated): gnomAD 0.00005 and 0.00019; TOPMed 0.00011; 1000 Genomes Project 30x 0.00109; 1000 Genomes Project 0.00120; gnomAD exomes 0.00041 and 0.00047; ExAC 0.00047.
gnomAD v4.1: 698 of 1,612,416 alleles (0.043%); highest among the groups gnomAD compares: East Asian, 1.5%; 7 homozygotes.

Submissions (3):

Ambry Genetics
Classification: Likely benign for Inborn genetic diseases. Last evaluated: 2025-02-23. Review status: criteria provided, single submitter. Criteria: Ambry Variant Classification Scheme 2023. Collection method: clinical testing. Allele origin: germline.

Labcorp Genetics (formerly Invitae), Labcorp
Classification: Likely benign. Last evaluated: 2018-06-29. Review status: criteria provided, single submitter. Criteria: Invitae Variant Classification Sherloc (09022015). Collection method: clinical testing. Allele origin: germline.

PreventionGenetics, part of Exact Sciences
Classification: Likely benign for TNRC6B-related condition. Last evaluated: 2019-12-16. Review status: no assertion criteria provided. Collection method: clinical testing. Allele origin: germline. Not counted in ClinVar's aggregate classification.
Comment: This variant is classified as likely benign based on ACMG/AMP sequence variant interpretation guidelines (Richards et al. 2015 PMID: 25741868, with internal and published modifications).